The following is an entry in ClinVar:

NM_005921.2(MAP3K1):c.295G>A (p.Ala99Thr)

Genes: MAP3K1 (mitogen-activated protein kinase kinase kinase 1; plus strand), LOC129993918 (ATAC-STARR-seq lymphoblastoid silent region 16021; plus strand). Cytogenetic location: 5q11.2.
Variant type: single nucleotide variant.
Coding change: c.295G>A on transcript NM_005921.2 (MANE Select); coding-DNA position 295, G replaced by A.
Protein change: p.Ala99Thr; replaces alanine 99 with threonine.
Molecular consequence: missense variant.
Genome position (GRCh38, 1-based): chr5:56,815,868, G>A. VCF-style: chr5-56815868-G-A. GRCh37 (hg19) VCF-style: chr5-56111695-G-A.
Other names: short protein forms A99T.
Identifiers: ClinVar variation 4990114 (VCV004990114.1).

ClinVar aggregate classification (germline): Uncertain significance (1 of 4 stars; one submission).

Conditions:
MAP3K1-related disorder. Also called: MAP3K1-related condition.

Submission:

PreventionGenetics, part of Exact Sciences
Classification: Uncertain significance for MAP3K1-related condition. Last evaluated: 2025-01-02. Review status: criteria provided, single submitter. Criteria: ACMG Guidelines, 2015. Collection method: clinical testing. Allele origin: germline.
Comment: The MAP3K1 c.295G>A variant is predicted to result in the amino acid substitution p.Ala99Thr. To our knowledge, this variant has not been reported in the literature or in a large population database (gnomAD), indicating this variant is rare. At this time, the clinical significance of this variant is uncertain due to the absence of conclusive functional and genetic evidence.